The following is an entry in ClinVar:

ClinVar aggregate classification (germline): Uncertain significance (1 of 4 stars; one submission).

gnomAD v4.1: 23 of 1,582,884 alleles (0.0015%); highest among the groups gnomAD compares: South Asian, 0.021%; no homozygotes.

Submission:

Labcorp Genetics (formerly Invitae), Labcorp
Classification: Uncertain significance. Last evaluated: 2025-03-26. Review status: criteria provided, single submitter. Criteria: Invitae Variant Classification Sherloc (09022015). Collection method: clinical testing. Allele origin: germline.
Comment: This sequence change replaces asparagine, which is neutral and polar, with aspartic acid, which is acidic and polar, at codon 1062 of the RIMS1 protein (p.Asn1062Asp). This variant is present in population databases (rs757403920, gnomAD 0.02%). This variant has not been reported in the literature in individuals affected with RIMS1-related conditions. An algorithm developed to predict the effect of missense changes on protein structure and function outputs the following: PolyPhen-2: "Benign". The aspartic acid amino acid residue is found in multiple mammalian species, which suggests that this missense change does not adversely affect protein function. In summary, the available evidence is currently insufficient to determine the role of this variant in disease. Therefore, it has been classified as a Variant of Uncertain Significance.

NM_014989.7(RIMS1):c.3184A>G (p.Asn1062Asp)

Gene: RIMS1 (regulating synaptic membrane exocytosis 1; plus strand). Cytogenetic location: 6q13.
Variant type: single nucleotide variant.
Coding change: c.3184A>G on transcript NM_014989.7 (MANE Select); coding-DNA position 3184, A replaced by G.
Protein change: p.Asn1062Asp; replaces asparagine 1062 with aspartic acid.
Molecular consequence: missense variant. On other transcripts: intron variant (58).
Genome position (GRCh38, 1-based): chr6:72,265,042, A>G. VCF-style: chr6-72265042-A-G. GRCh37 (hg19) VCF-style: chr6-72974745-A-G.
Other names: c.1476-918A>G (NM_001350457.2); c.1475+5931A>G (NM_001350460.2, NM_001350426.2, NM_001350429.2 and 1 more transcripts); c.1536-918A>G (NM_001350415.2, NM_001350445.2, NM_001350456.2 and 7 more transcripts); c.1535+4275A>G (NM_001350454.2, NM_001350449.2, NM_001350432.2); c.1473-918A>G (NM_001350435.2); c.1472+5931A>G (NM_001350447.2, NM_001350440.2, NM_001350444.2 and 2 more transcripts); c.1539-918A>G (NM_001350452.2, NM_001350433.2, NM_001350446.2 and 8 more transcripts); c.1470-918A>G (NM_001350462.2, NM_001350428.2, NM_001350459.2 and 1 more transcripts); and 13 more; short protein forms N535D, N536D, N1062D, N521D.
Identifiers: ClinVar variation 4769519 (VCV004769519.1).